The following is an entry in ClinVar:

NM_001035.3(RYR2):c.5542C>T (p.Pro1848Ser)

Gene: RYR2 (ryanodine receptor 2; plus strand). Cytogenetic location: 1q43.
Variant type: single nucleotide variant.
Coding change: c.5542C>T on transcript NM_001035.3 (MANE Select); coding-DNA position 5542, C replaced by T.
Protein change: p.Pro1848Ser; replaces proline 1848 with serine.
Molecular consequence: missense variant.
Genome position (GRCh38, 1-based): chr1:237,614,670, C>T. VCF-style: chr1-237614670-C-T. GRCh37 (hg19) VCF-style: chr1-237777970-C-T.
Other names: short protein forms P1848S.
Identifiers: ClinVar variation 862746 (VCV000862746.20), dbSNP rs760731968, ClinGen allele CA086902.

ClinVar aggregate classification (germline): Uncertain significance. Review status: criteria provided, multiple submitters, no conflicts (2 of 4 stars). 5 submissions from 5 submitters: Uncertain significance (5). Last evaluated 2025-11-24.

Conditions:
Catecholaminergic polymorphic ventricular tachycardia (CVPT). Also called: Catecholamine-induced polymorphic ventricular tachycardia. Identifiers: Orphanet 3286, MedGen C5574922, MONDO:0017990.
Arrhythmogenic right ventricular dysplasia 2. Identifiers: MedGen C1832931.
Ventricular arrhythmias due to cardiac ryanodine receptor calcium release deficiency syndrome. Also called: Autosomal dominant cardiac arrhythmia (Kuhn). Identifiers: MedGen C5542154, MONDO:0020745, OMIM 115000.
Catecholaminergic polymorphic ventricular tachycardia 1. Also called: VENTRICULAR TACHYCARDIA, CATECHOLAMINERGIC POLYMORPHIC, 1, WITH OR WITHOUT ATRIAL DYSFUNCTION AND/OR DILATED CARDIOMYOPATHY; RYR2-Related Catecholaminergic Polymorphic Ventricular Tachycardia; VENTRICULAR TACHYCARDIA, STRESS-INDUCED POLYMORPHIC 1. Identifiers: Orphanet 3286, MedGen C1631597, MONDO:0011484, OMIM 604772.
Cardiomyopathy (CMYO). Also called: Cardiomyopathies. Identifiers: Orphanet 167848, MedGen C0878544, MONDO:0004994, HP:0001638. Inheritance: Various modes of inheritance.

Allele frequency attached by ClinVar (database versions not stated): gnomAD exomes below 0.00001 and 0.00002; TOPMed below 0.00001; ExAC 0.00001; gnomAD 0.00001.
gnomAD v4.1: 5 of 1,613,886 alleles (0.00031%); highest among the groups gnomAD compares: Non-Finnish European, 0.00042%; no homozygotes.

Submissions (5):

Labcorp Genetics (formerly Invitae), Labcorp
Classification: Uncertain significance for Catecholaminergic polymorphic ventricular tachycardia 1. Last evaluated: 2025-11-24. Review status: criteria provided, single submitter. Criteria: Invitae Variant Classification Sherloc (09022015). Collection method: clinical testing. Allele origin: germline.
Comment: This sequence change replaces proline, which is neutral and non-polar, with serine, which is neutral and polar, at codon 1848 of the RYR2 protein (p.Pro1848Ser). This variant is present in population databases (rs760731968, gnomAD 0.004%). This variant has not been reported in the literature in individuals affected with RYR2-related conditions. ClinVar contains an entry for this variant (Variation ID: 862746). Invitae Evidence Modeling of protein sequence and biophysical properties (such as structural, functional, and spatial information, amino acid conservation, physicochemical variation, residue mobility, and thermodynamic stability) indicates that this missense variant is not expected to disrupt RYR2 protein function with a negative predictive value of 95%. In summary, the available evidence is currently insufficient to determine the role of this variant in disease. Therefore, it has been classified as a Variant of Uncertain Significance.

Color Diagnostics, LLC DBA Color Health
Classification: Uncertain significance for Cardiomyopathy. Last evaluated: 2025-04-14. Review status: criteria provided, single submitter. Criteria: ACMG Guidelines, 2015. Collection method: clinical testing. Allele origin: germline.
Comment: This missense variant replaces proline with serine at codon 1848 of the RYR2 protein. Computational prediction is inconclusive regarding the impact of this variant on protein structure and function. To our knowledge, functional studies have not been reported for this variant. This variant has not been reported in individuals affected with RYR2-related disorders in the literature. This variant has been identified in 4/248518 chromosomes in the general population by the Genome Aggregation Database (gnomAD). The available evidence is insufficient to determine the role of this variant in disease conclusively. Therefore, this variant is classified as a Variant of Uncertain Significance.

All of Us Research Program, National Institutes of Health
Classification: Uncertain significance for Catecholaminergic polymorphic ventricular tachycardia. Last evaluated: 2024-08-06. Review status: criteria provided, single submitter. Criteria: ACMG Guidelines, 2015. Collection method: clinical testing. Allele origin: germline. Inheritance: Autosomal dominant inheritance. Observed: 5 variant alleles, 5 heterozygotes.
Comment: This missense variant replaces proline with serine at codon 1848 of the RYR2 protein. Computational prediction is inconclusive regarding the impact of this variant on protein structure and function (internally defined REVEL score threshold 0.5 < inconclusive < 0.7, PMID: 27666373). Splice site prediction tools suggest that this variant may not impact RNA splicing. To our knowledge, functional studies have not been performed for this variant. This variant has not been reported in individuals affected with cardiovascular disorders in the literature. This variant has been identified in 4/248518 chromosomes in the general population by the Genome Aggregation Database (gnomAD). The available evidence is insufficient to determine the role of this variant in disease conclusively. Therefore, this variant is classified as a Variant of Uncertain Significance.

This study involves interpretation of variants in research participants for the purpose of population health screening. Participant phenotype was not available at the time of variant classification. Additional details can be found in publication PMID: 35346344, PMCID: PMC8962531

Fulgent Genetics
Classification: Uncertain significance for Ventricular arrhythmias due to cardiac ryanodine receptor calcium release deficiency syndrome; Catecholaminergic polymorphic ventricular tachycardia 1. Last evaluated: 2021-08-23. Review status: criteria provided, single submitter. Criteria: ACMG Guidelines, 2015. Collection method: clinical testing. Allele origin: unknown.

GeneDx
Classification: Uncertain significance. Last evaluated: 2019-08-02. Review status: criteria provided, single submitter. Criteria: GeneDx Variant Classification Process June 2021. Collection method: clinical testing. Allele origin: germline. Affected: yes.
Comment: Has not been previously published as pathogenic or benign to our knowledge; Not observed at a significant frequency in large population cohorts (Lek et al., 2016); In silico analysis, which includes protein predictors and evolutionary conservation, supports a deleterious effect; Not located in one of the three hot-spot regions of the RYR2 gene, where the majority of pathogenic missense variants occur (Medeiros-Domingo et al., 2009)